The following is an entry in ClinVar:

NM_017780.4(CHD7):c.1865G>C (p.Gly622Ala)

Genes: CHD7 (chromodomain helicase DNA binding protein 7; plus strand), LOC126860403 (CDK7 strongly-dependent group 2 enhancer GRCh37_chr8:61693034-61694233; plus strand). Cytogenetic location: 8q12.2.
Variant type: single nucleotide variant.
Coding change: c.1865G>C on transcript NM_017780.4 (MANE Select); coding-DNA position 1865, G replaced by C.
Protein change: p.Gly622Ala; replaces glycine 622 with alanine.
Molecular consequence: missense variant. On other transcripts: intron variant (1).
Genome position (GRCh38, 1-based): chr8:60,781,199, G>C. VCF-style: chr8-60781199-G-C. GRCh37 (hg19) VCF-style: chr8-61693758-G-C.
Other names: c.1716+149G>C (NM_001316690.1); short protein forms G622A.
Identifiers: ClinVar variation 2005546 (VCV002005546.4), dbSNP rs2487538572, ClinGen allele CA371312606.

ClinVar aggregate classification (germline): Uncertain significance (1 of 4 stars; one submission).

Conditions:
CHARGE syndrome (CHARGE). Also called: Hittner Hirsch Kreh syndrome; CHARGE ASSOCIATION--COLOBOMA, HEART ANOMALY, CHOANAL ATRESIA, RETARDATION, GENITAL AND EAR ANOMALIES; Coloboma, heart anomaly, choanal atresia, retardation, genital and ear anomalies; CHARGE association; Hall-Hittner syndrome. Identifiers: Orphanet 138, MedGen C0265354, MONDO:0008965.

Submission:

Labcorp Genetics (formerly Invitae), Labcorp
Classification: Uncertain significance for CHARGE syndrome. Last evaluated: 2022-09-13. Review status: criteria provided, single submitter. Criteria: Invitae Variant Classification Sherloc (09022015). Collection method: clinical testing. Allele origin: germline.
Comment: This sequence change replaces glycine, which is neutral and non-polar, with alanine, which is neutral and non-polar, at codon 622 of the CHD7 protein (p.Gly622Ala). This variant is not present in population databases (gnomAD no frequency). This variant has not been reported in the literature in individuals affected with CHD7-related conditions. Advanced modeling of protein sequence and biophysical properties (such as structural, functional, and spatial information, amino acid conservation, physicochemical variation, residue mobility, and thermodynamic stability) performed at Invitae indicates that this missense variant is not expected to disrupt CHD7 protein function. In summary, the available evidence is currently insufficient to determine the role of this variant in disease. Therefore, it has been classified as a Variant of Uncertain Significance.